The following is an entry in ClinVar:

NM_007294.4(BRCA1):c.4630C>A (p.Pro1544Thr)

Gene: BRCA1 (BRCA1 DNA repair associated; minus strand). Cytogenetic location: 17q21.31.
Variant type: single nucleotide variant.
Coding change: c.4630C>A on transcript NM_007294.4 (MANE Select); coding-DNA position 4630, C replaced by A.
Protein change: p.Pro1544Thr; replaces proline 1544 with threonine.
Molecular consequence: missense variant. On other transcripts: non-coding transcript variant (1).
Genome position (GRCh38, 1-based): chr17:43,074,376, G>T on the plus strand (C>A on the coding strand, the complement: BRCA1 is on the minus strand). VCF-style: chr17-43074376-G-T. GRCh37 (hg19) VCF-style: chr17-41226393-G-T.
Other names: c.4489C>A, p.Pro1497Thr (NM_001407698.1, NM_001407724.1, NM_001407725.1 and 13 more transcripts); c.4486C>A, p.Pro1496Thr (NM_001407732.1, NM_001407733.1, NM_001407734.1 and 21 more transcripts); c.4483C>A, p.Pro1495Thr (NM_001407838.1, NM_001407839.1, NM_001407841.1 and 12 more transcripts); c.4630C>A, p.Pro1544Thr (NM_001407854.1, NM_001407593.1, NM_001407594.1 and 8 more transcripts); c.4627C>A, p.Pro1543Thr (NM_001407858.1, NM_001407859.1, NM_001407860.1 and 17 more transcripts); c.4624C>A, p.Pro1542Thr (NM_001407861.1, NM_001407627.1, NM_001407628.1 and 14 more transcripts); c.4429C>A, p.Pro1477Thr (NM_001407862.1); c.4504C>A, p.Pro1502Thr (NM_001407863.1, NM_001407939.1, NM_001407940.1 and 11 more transcripts); and 68 more; short protein forms P1433T, P1454T, P1456T, P1474T, P1496T, P1500T, P1502T, P1518T.
Identifiers: ClinVar variation 1742043 (VCV001742043.2), dbSNP rs2153997067, ClinGen allele CA10592251.

ClinVar aggregate classification (germline): Uncertain significance (1 of 4 stars; one submission).

Conditions:
Hereditary cancer-predisposing syndrome. Also called: Hereditary Cancer Syndrome; Hereditary neoplastic syndrome; Neoplastic Syndromes, Hereditary; Tumor predisposition. Identifiers: Orphanet 140162, MedGen C0027672, MeSH D009386, MONDO:0015356.

Submission:

Ambry Genetics
Classification: Uncertain significance for Hereditary cancer-predisposing syndrome. Last evaluated: 2019-04-29. Review status: criteria provided, single submitter. Criteria: Ambry Variant Classification Scheme 2023. Collection method: clinical testing. Allele origin: germline.
Comment: The p.P1544T variant (also known as c.4630C>A), located in coding exon 13 of the BRCA1 gene, results from a C to A substitution at nucleotide position 4630. The proline at codon 1544 is replaced by threonine, an amino acid with highly similar properties. This amino acid position is poorly conserved in available vertebrate species. In addition, the in silico prediction for this alteration is inconclusive. Since supporting evidence is limited at this time, the clinical significance of this alteration remains unclear.